The following is an entry in ClinVar:

ClinVar aggregate classification (germline): Uncertain significance (1 of 4 stars; one submission).

Submission:

Labcorp Genetics (formerly Invitae), Labcorp
Classification: Uncertain significance. Last evaluated: 2021-04-24. Review status: criteria provided, single submitter. Criteria: Invitae Variant Classification Sherloc (09022015). Collection method: clinical testing. Allele origin: germline.
Comment: This sequence change replaces tryptophan with cysteine at codon 140 of the WDR62 protein (p.Trp140Cys). The tryptophan residue is highly conserved and there is a large physicochemical difference between tryptophan and cysteine. This variant is not present in population databases (ExAC no frequency). This variant has not been reported in the literature in individuals with WDR62-related conditions. Algorithms developed to predict the effect of missense changes on protein structure and function are either unavailable or do not agree on the potential impact of this missense change (SIFT: "Deleterious"; PolyPhen-2: "Probably Damaging"; Align-GVGD: "Class C0"). In summary, the available evidence is currently insufficient to determine the role of this variant in disease. Therefore, it has been classified as a Variant of Uncertain Significance.

NM_001083961.2(WDR62):c.420G>T (p.Trp140Cys)

Gene: WDR62 (WD repeat domain 62; plus strand). Cytogenetic location: 19q13.12.
Variant type: single nucleotide variant.
Coding change: c.420G>T on transcript NM_001083961.2 (MANE Select); coding-DNA position 420, G replaced by T.
Protein change: p.Trp140Cys; replaces tryptophan 140 with cysteine.
Molecular consequence: missense variant.
Genome position (GRCh38, 1-based): chr19:36,066,286, G>T. VCF-style: chr19-36066286-G-T. GRCh37 (hg19) VCF-style: chr19-36557188-G-T.
Other names: c.420G>T, p.Trp140Cys (NM_173636.5); short protein forms W140C.
Identifiers: ClinVar variation 1490860 (VCV001490860.8), dbSNP rs2145579486, ClinGen allele CA405426477.
Genomic context (GRCh38, chr19:36,066,286, plus strand): 5'-CCAGCAGCAGTAACGACCCCACCTTCCCTAGAATGGGCATAGGCCTGCTGTGCGCATCTG[G>T]GATGTGGAGGAGAAGAATCAGGTGGCGGAGATGCTAGGCCACAAGTATGGTGTGGCGTGT-3'
Protein context (NP_001077430.1, residues 130-150): ENGHRPAVRI[Trp140Cys]DVEEKNQVAE